The following is an entry in ClinVar:

NM_001005498.4(RHBDF2):c.1144G>A (p.Val382Ile)

Gene: RHBDF2 (rhomboid 5 homolog 2; minus strand). Cytogenetic location: 17q25.1.
Variant type: single nucleotide variant.
Coding change: c.1144G>A on transcript NM_001005498.4 (MANE Select); coding-DNA position 1144, G replaced by A.
Protein change: p.Val382Ile; replaces valine 382 with isoleucine.
Molecular consequence: missense variant. On other transcripts: non-coding transcript variant (3).
Genome position (GRCh38, 1-based): chr17:76,475,113, C>T on the plus strand (G>A on the coding strand, the complement: RHBDF2 is on the minus strand). VCF-style: chr17-76475113-C-T. GRCh37 (hg19) VCF-style: chr17-74471195-C-T.
Other names: c.1144G>A, p.Val382Ile (NM_001376228.1, NM_001376229.1, NM_001376230.1); c.1231G>A, p.Val411Ile (NM_024599.5); short protein forms V382I, V411I.
Identifiers: ClinVar variation 2377144 (VCV002377144.7), dbSNP rs140426459, ClinGen allele CA8787110.

ClinVar aggregate classification (germline): Uncertain significance. Review status: criteria provided, multiple submitters, no conflicts (2 of 4 stars). 3 submissions from 3 submitters: Uncertain significance (3). Last evaluated 2025-11-10.

Conditions:
Palmoplantar keratoderma-esophageal carcinoma syndrome (TOC). Also called: KERATOSIS PALMARIS ET PLANTARIS WITH ESOPHAGEAL CANCER; PALMOPLANTAR KERATODERMA WITH ESOPHAGEAL CANCER; Tylosis with Esophageal Cancer. Identifiers: Orphanet 2198, MedGen C1835664, MONDO:0007856, OMIM 148500.
Inborn genetic diseases. Identifiers: MedGen C0950123, MeSH D030342.

Allele frequency attached by ClinVar (database versions not stated): TOPMed 0.00008; gnomAD 0.00007; ESP Exome Variant Server 0.00008; ExAC 0.00021.
gnomAD v4.1: 188 of 1,598,402 alleles (0.012%); highest among the groups gnomAD compares: Non-Finnish European, 0.016%; no homozygotes.

Submissions (3):

Labcorp Genetics (formerly Invitae), Labcorp
Classification: Uncertain significance. Last evaluated: 2025-11-10. Review status: criteria provided, single submitter. Criteria: Invitae Variant Classification Sherloc (09022015). Collection method: clinical testing. Allele origin: germline.
Comment: This sequence change replaces valine, which is neutral and non-polar, with isoleucine, which is neutral and non-polar, at codon 411 of the RHBDF2 protein (p.Val411Ile). This variant is present in population databases (rs140426459, gnomAD 0.02%). This variant has not been reported in the literature in individuals affected with RHBDF2-related conditions. ClinVar contains an entry for this variant (Variation ID: 2377144). An algorithm developed to predict the effect of missense changes on protein structure and function (PolyPhen-2) suggests that this variant is likely to be disruptive. In summary, the available evidence is currently insufficient to determine the role of this variant in disease. Therefore, it has been classified as a Variant of Uncertain Significance.

Ambry Genetics
Classification: Uncertain significance for Inborn genetic diseases. Last evaluated: 2025-01-07. Review status: criteria provided, single submitter. Criteria: Ambry Variant Classification Scheme 2023. Collection method: clinical testing. Allele origin: germline.

Baylor Genetics
Classification: Uncertain significance for Palmoplantar keratoderma-esophageal carcinoma syndrome. Last evaluated: 2023-05-01. Review status: criteria provided, single submitter. Criteria: ACMG Guidelines, 2015. Collection method: clinical testing. Allele origin: unknown.